The following is an entry in ClinVar:

NM_001369.3(DNAH5):c.7915C>T (p.Arg2639Ter)

Gene: DNAH5 (dynein axonemal heavy chain 5; minus strand). Cytogenetic location: 5p15.2.
Variant type: single nucleotide variant.
Coding change: c.7915C>T on transcript NM_001369.3 (MANE Select); coding-DNA position 7915, C replaced by T.
Protein change: p.Arg2639Ter; replaces arginine 2639 with a stop codon.
Molecular consequence: nonsense.
Genome position (GRCh38, 1-based): chr5:13,794,031, G>A on the plus strand (C>T on the coding strand, the complement: DNAH5 is on the minus strand). VCF-style: chr5-13794031-G-A. GRCh37 (hg19) VCF-style: chr5-13794140-G-A.
Other names: short protein forms R2639*.
Identifiers: ClinVar variation 520775 (VCV000520775.18), dbSNP rs375053470, ClinGen allele CA3202956.

ClinVar aggregate classification (germline): Pathogenic. Review status: criteria provided, multiple submitters, no conflicts (2 of 4 stars). 5 submissions from 5 submitters: Pathogenic (4). 1 of the submissions does not count toward it. Last evaluated 2026-02-01.

Conditions:
Inborn genetic diseases. Identifiers: MedGen C0950123, MeSH D030342.
Primary ciliary dyskinesia. Also called: Ciliary dyskinesia. Identifiers: Orphanet 244, MedGen C0008780, MONDO:0016575, HP:0012265.
Primary ciliary dyskinesia 3. Identifiers: Orphanet 244, MedGen C1837618, MONDO:0012085, OMIM 608644.

Allele frequency attached by ClinVar (database versions not stated): gnomAD 0.00001; gnomAD exomes 0.00001 and 0.00002; ExAC 0.00004; TOPMed 0.00004; ESP Exome Variant Server 0.00008.
gnomAD v4.1: 18 of 1,613,674 alleles (0.0011%); highest among the groups gnomAD compares: Non-Finnish European, 0.0014%; no homozygotes.

Submissions (5):

Labcorp Genetics (formerly Invitae), Labcorp
Classification: Pathogenic for Primary ciliary dyskinesia. Last evaluated: 2026-02-01. Review status: criteria provided, single submitter. Criteria: Invitae Variant Classification Sherloc (09022015). Collection method: clinical testing. Allele origin: germline.
Comment: This sequence change creates a premature translational stop signal (p.Arg2639*) in the DNAH5 gene. It is expected to result in an absent or disrupted protein product. Loss-of-function variants in DNAH5 are known to be pathogenic (PMID: 11788826, 16627867). This variant is present in population databases (rs375053470, gnomAD 0.007%). This premature translational stop signal has been observed in individual(s) with primary ciliary dyskinesia (PMID: 11788826; internal data). ClinVar contains an entry for this variant (Variation ID: 520775). For these reasons, this variant has been classified as Pathogenic.

Natera, Inc.
Classification: Pathogenic for Primary ciliary dyskinesia. Last evaluated: 2025-11-14. Review status: criteria provided, single submitter. Criteria: Natera Variant Classification Schema (03/2026). Collection method: clinical testing. Allele origin: germline.
Comment: The c.7915C>T variant in DNAH5 is a nonsense variant predicted to introduce a stop codon at amino acid 2639. This variant is expected to result in nonsense mediated decay, truncation, or a dysfunctional protein product. This variant is rare in the general population with a frequency below the threshold expected for the associated phenotype(s). This variant has been observed in one or more individuals affected with the associated recessive disease, as either homozygous or compound heterozygous with a second variant (PMID: 32470793, 30067075). Given the available evidence, this variant is classified as Pathogenic.

Ambry Genetics
Classification: Pathogenic for Inborn genetic diseases. Last evaluated: 2015-10-05. Review status: criteria provided, single submitter. Criteria: Ambry exome assertion method (8-5-2015). Collection method: clinical testing. Allele origin: germline. Affected: yes. Observed: 1 variant allele.

Juno Genomics, Hangzhou Juno Genomics, Inc
Classification: Pathogenic for Primary ciliary dyskinesia 3. Review status: criteria provided, single submitter. Criteria: ACMG Guidelines, 2015. Collection method: clinical testing. Allele origin: germline. Affected: yes.
Comment: Absent from controls (or at extremely low frequency if recessive) in Genome Aggregation Database, Exome Sequencing Project, 1000 Genomes Project, or Exome Aggregation Consortium.;Null variant in a gene where loss of function (LOF) is a known mechanism of disease.;For recessive disorders, detected in trans with a pathogenic variant.;Patient's phenotype or family history is highly specific for a disease with a single genetic etiology.

Yale Center for Mendelian Genomics, Yale University
Classification: Likely pathogenic for Primary ciliary dyskinesia. Last evaluated: 2018-08-01. Review status: no assertion criteria provided. Collection method: literature only. Allele origin: germline. Affected: yes. Observed: 1 compound heterozygote. Study: Yale Center for Mendelian Genomics. Not counted in ClinVar's aggregate classification.

Literature cited by the submitters: PubMed 11788826 (cited by Labcorp Genetics (formerly Invitae), Labcorp); PubMed 16627867 (cited by Labcorp Genetics (formerly Invitae), Labcorp); PubMed 32470793 (cited by Natera, Inc.); PubMed 30067075 (cited by Natera, Inc. and Yale Center for Mendelian Genomics, Yale University).